The following is an entry in ClinVar:

ClinVar aggregate classification (germline): Benign. Review status: criteria provided, single submitter (1 of 4 stars). 2 submissions from 2 submitters: Benign (1). 1 of the submissions does not count toward it. Last evaluated 2018-09-20.

Conditions:
FMN2-related disorder. Also called: FMN2-related condition.

Submissions (2):

GeneDx
Classification: Benign. Last evaluated: 2018-09-20. Review status: criteria provided, single submitter. Criteria: GeneDx Variant Classification Process June 2021. Collection method: clinical testing. Allele origin: germline. Affected: yes.

PreventionGenetics, part of Exact Sciences
Classification: Likely benign for FMN2-related condition. Last evaluated: 2020-08-05. Review status: no assertion criteria provided. Collection method: clinical testing. Allele origin: germline. Not counted in ClinVar's aggregate classification.
Comment: This variant is classified as likely benign based on ACMG/AMP sequence variant interpretation guidelines (Richards et al. 2015 PMID: 25741868, with internal and published modifications).

NM_020066.5(FMN2):c.3492A>T (p.Pro1164=)

Gene: FMN2 (formin 2; plus strand). Cytogenetic location: 1q43.
Variant type: single nucleotide variant.
Coding change: c.3492A>T on transcript NM_020066.5 (MANE Select); coding-DNA position 3492, A replaced by T.
Protein change: p.Pro1164=; no amino-acid change (proline 1164 retained).
Molecular consequence: synonymous variant. On other transcripts: intron variant (1).
Genome position (GRCh38, 1-based): chr1:240,208,304, A>T. VCF-style: chr1-240208304-A-T. GRCh37 (hg19) VCF-style: chr1-240371604-A-T.
Other names: c.3504A>T, p.Pro1168= (NM_001305424.2); c.1986+20042A>T (NM_001348094.2).
Identifiers: ClinVar variation 1183879 (VCV001183879.4), dbSNP rs778804893, ClinGen allele CA1477207.